The following is an entry in ClinVar:

NM_000541.5(SAG):c.1046+2T>C

Gene: SAG (S-antigen visual arrestin; plus strand). Cytogenetic location: 2q37.1.
Variant type: single nucleotide variant.
Coding change: c.1046+2T>C on transcript NM_000541.5 (MANE Select); the canonical splice donor site of the intron after coding-DNA position 1046, T replaced by C.
Molecular consequence: splice donor variant.
Genome position (GRCh38, 1-based): chr2:233,340,480, T>C. VCF-style: chr2-233340480-T-C. GRCh37 (hg19) VCF-style: chr2-234249126-T-C.
Identifiers: ClinVar variation 4849439 (VCV004849439.1).

ClinVar aggregate classification (germline): Likely pathogenic (1 of 4 stars; one submission).

Conditions:
Retinitis pigmentosa 47 (RP47). Identifiers: Orphanet 791, MedGen C3151061, MONDO:0013407, OMIM 613758.
Oguchi disease-1. Also called: Congenital stationary night blindness Oguchi type 1. Identifiers: MedGen C4551824, MONDO:0009775, OMIM 258100.

gnomAD v4.1: 7 of 1,609,960 alleles (0.00043%); highest among the groups gnomAD compares: South Asian, 0.0078%; no homozygotes.

Submission:

First Genomix Gene Laboratory, Genetic Diagnostics Department
Classification: Likely pathogenic for Oguchi disease-1; Retinitis pigmentosa 47. Last evaluated: 2025-06-04. Review status: criteria provided, single submitter. Criteria: ACMG Guidelines, 2015. Collection method: clinical testing. Allele origin: germline. Inheritance: Autosomal recessive inheritance. Affected: no. Observed: 1 variant allele.